The following is an entry in ClinVar:

NM_001405607.1(PBRM1):c.3263_3269delinsA (p.Ile1088_Leu1090delinsLys)

Gene: PBRM1 (polybromo 1; minus strand). Cytogenetic location: 3p21.1.
Variant type: Indel.
Coding change: c.3263_3269delinsA on transcript NM_001405607.1 (MANE Select); coding-DNA positions 3263 to 3269, TTAAACT replaced by A.
Protein change: p.Ile1088_Leu1090delinsLys.
Molecular consequence: inframe indel. On other transcripts: non-coding transcript variant (2).
Genome position (GRCh38, 1-based): chr3:52,586,588-52,586,594, AGTTTAA replaced by T on the plus strand (TTAAACT replaced by A on the coding strand, the reverse complement: PBRM1 is on the minus strand). VCF-style: chr3-52586588-AGTTTAA-T. GRCh37 (hg19) VCF-style: chr3-52620604-AGTTTAA-T.
Other names: c.3143_3149delinsA, p.Ile1048_Leu1050delinsLys (NM_018313.5, NM_001400484.1, NM_001400490.1 and 11 more transcripts); c.3218_3224delinsA, p.Ile1073_Leu1075delinsLys (NM_181042.5, NM_001350075.2, NM_001394867.1 and 35 more transcripts); c.3326_3332delinsA, p.Ile1109_Leu1111delinsLys (NM_001350074.2, NM_001350078.2, NM_001366070.2); c.3323_3329delinsA, p.Ile1108_Leu1110delinsLys (NM_001350076.2, NM_001405554.1); c.3317_3323delinsA, p.Ile1106_Leu1108delinsLys (NM_001350077.2); c.3206_3212delinsA, p.Ile1069_Leu1071delinsLys (NM_001350079.2); c.3281_3287delinsA, p.Ile1094_Leu1096delinsLys (NM_001366071.2, NM_001366072.2, NM_001405553.1 and 1 more transcripts); c.3272_3278delinsA, p.Ile1091_Leu1093delinsLys (NM_001366073.2, NM_001394870.1, NM_001405600.1); and 26 more.
Identifiers: ClinVar variation 4530414 (VCV004530414.1).

ClinVar aggregate classification (somatic clinical impact): Tier II - Potential (1 of 4 stars; one submission).

Conditions:
Meningioma. Also called: Meningioma, somatic. Identifiers: Orphanet 2495, MedGen C0025286, MONDO:0016642, HP:0002858.

Submission:

Institute for Genomic Medicine (IGM) Clinical Laboratory, Nationwide Children's Hospital
Classification: Tier II - Potential for Meningioma. Assertion type: diagnostic. Clinical significance: supports diagnosis. Last evaluated: 2024-11-13. Review status: criteria provided, single submitter. Criteria: AMP/ASCO/CAP Guidelines, 2017. Collection method: clinical testing. Allele origin: somatic. Affected: yes.
Comment: Variant has Tier II (potential) clinical significance as a diagnostic inclusion criterion in meningioma, based on the following evidence: 1) Appears in one or more well-established professional guidelines (e.g., World Health Organization [WHO]; National Comprehensive Cancer Network [NCCN]) as providing diagnostic, prognostic, or therapeutic information. 2) Diagnostic significance based on multiple small studies (Evidence Level C; PMIDs: 32890025, 34679551, 33087175, 32405805).

Literature cited by the submitters: PubMed 32890025; PubMed 34679551; PubMed 33087175; PubMed 32405805.